The following is an entry in ClinVar:

NM_000642.3(AGL):c.1784G>C (p.Arg595Pro)

Gene: AGL (amylo-alpha-1,6-glucosidase and 4-alpha-glucanotransferase; plus strand). Cytogenetic location: 1p21.2.
Variant type: single nucleotide variant.
Coding change: c.1784G>C on transcript NM_000642.3 (MANE Select); coding-DNA position 1784, G replaced by C.
Protein change: p.Arg595Pro; replaces arginine 595 with proline.
Molecular consequence: missense variant.
Genome position (GRCh38, 1-based): chr1:99,880,680, G>C. VCF-style: chr1-99880680-G-C. GRCh37 (hg19) VCF-style: chr1-100346236-G-C.
Other names: c.1784G>C, p.Arg595Pro (NM_000028.3, NM_000643.3, NM_000644.3 and 2 more transcripts); c.1736G>C, p.Arg579Pro (NM_000646.3); c.1583G>C, p.Arg528Pro (NM_001425327.1); c.1580G>C, p.Arg527Pro (NM_001425328.1, NM_001425329.1); c.1406G>C, p.Arg469Pro (NM_001425332.1); short protein forms R469P, R527P, R528P, R579P, R595P.
Identifiers: ClinVar variation 3615861 (VCV003615861.1).

ClinVar aggregate classification (germline): Uncertain significance (1 of 4 stars; one submission).

Conditions:
Glycogen storage disease type III (GSD3). Also called: Cori disease; FORBES DISEASE. Identifiers: Orphanet 366, MedGen C0017922, MONDO:0009291, OMIM 232400.

gnomAD v4.1: 1 of 1,614,044 alleles (0.000062%); highest among the groups gnomAD compares: African/African-American, 0.0013%; no homozygotes.

Submission:

Labcorp Genetics (formerly Invitae), Labcorp
Classification: Uncertain significance for Glycogen storage disease type III. Last evaluated: 2024-04-10. Review status: criteria provided, single submitter. Criteria: Invitae Variant Classification Sherloc (09022015). Collection method: clinical testing. Allele origin: germline.
Comment: This sequence change replaces arginine, which is basic and polar, with proline, which is neutral and non-polar, at codon 595 of the AGL protein (p.Arg595Pro). This variant is not present in population databases (gnomAD no frequency). This variant has not been reported in the literature in individuals affected with AGL-related conditions. Advanced modeling of protein sequence and biophysical properties (such as structural, functional, and spatial information, amino acid conservation, physicochemical variation, residue mobility, and thermodynamic stability) performed at Invitae indicates that this missense variant is expected to disrupt AGL protein function with a positive predictive value of 80%. Algorithms developed to predict the effect of sequence changes on RNA splicing suggest that this variant may disrupt the consensus splice site. In summary, the available evidence is currently insufficient to determine the role of this variant in disease. Therefore, it has been classified as a Variant of Uncertain Significance.